The following is an entry in ClinVar:

NM_000358.3(TGFBI):c.1377C>T (p.Gly459=)

Gene: TGFBI (transforming growth factor beta induced; plus strand). Cytogenetic location: 5q31.1.
Variant type: single nucleotide variant.
Coding change: c.1377C>T on transcript NM_000358.3 (MANE Select); coding-DNA position 1377, C replaced by T.
Protein change: p.Gly459=; no amino-acid change (glycine 459 retained).
Molecular consequence: synonymous variant.
Genome position (GRCh38, 1-based): chr5:136,054,828, C>T. VCF-style: chr5-136054828-C-T. GRCh37 (hg19) VCF-style: chr5-135390517-C-T.
Identifiers: ClinVar variation 350887 (VCV000350887.6), dbSNP rs190191005, ClinGen allele CA3420355.

ClinVar aggregate classification (germline): Benign/Likely benign. Review status: criteria provided, multiple submitters, no conflicts (2 of 4 stars). 2 submissions from 2 submitters: Benign (1); Likely benign (1). Last evaluated 2025-01-31.

Conditions:
Corneal dystrophy. Identifiers: Orphanet 34533, MedGen C0010036, MONDO:0018102, HP:0001131.

Allele frequency attached by ClinVar (database versions not stated): gnomAD exomes 0.00036; ExAC 0.00044; gnomAD 0.00122; TOPMed 0.00131; 1000 Genomes Project 0.00140; ESP Exome Variant Server 0.00144; 1000 Genomes Project 30x 0.00187.
gnomAD v4.1: 409 of 1,613,612 alleles (0.025%); highest among the groups gnomAD compares: African/African-American, 0.38%; no homozygotes.

Submissions (2):

Labcorp Genetics (formerly Invitae), Labcorp
Classification: Benign. Last evaluated: 2025-01-31. Review status: criteria provided, single submitter. Criteria: Invitae Variant Classification Sherloc (09022015). Collection method: clinical testing. Allele origin: germline.

Illumina Laboratory Services, Illumina
Classification: Likely benign for Corneal dystrophy. Last evaluated: 2018-01-12. Review status: criteria provided, single submitter. Criteria: ICSL Variant Classification Criteria 13 December 2019. Collection method: clinical testing. Allele origin: germline.
Comment: This variant was observed in the ICSL laboratory as part of a predisposition screen in an ostensibly healthy population. It had not been previously curated by ICSL or reported in the Human Gene Mutation Database (HGMD: prior to June 1st, 2018), and was therefore a candidate for classification through an automated scoring system. Utilizing variant allele frequency, disease prevalence and penetrance estimates, and inheritance mode, an automated score was calculated to assess if this variant is too frequent to cause the disease. Based on the score and internal cut-off values, a variant classified as likely benign is not then subjected to further curation. The score for this variant resulted in a classification of likely benign for this disease.